The following is an entry in ClinVar:

ClinVar aggregate classification (germline): Conflicting classifications of pathogenicity. Review status: criteria provided, conflicting classifications (1 of 4 stars). 7 submissions from 7 submitters: Uncertain significance (1); Benign (2); Likely benign (4). Last evaluated 2025-10-11.

Conditions:
Ehlers-Danlos syndrome (EDS). Identifiers: Orphanet 98249, MedGen C0013720, MONDO:0020066.
Familial thoracic aortic aneurysm and aortic dissection (TAAD). Also called: Thoracic aortic aneurysms and dissections. Identifiers: Orphanet 91387, MedGen C4707243, MONDO:0019625.
Ehlers-Danlos syndrome, type 4 (EDSVASC). Also called: Ehlers-Danlos Syndrome Type IV; Ehlers-Danlos syndrome vascular type; Ehlers Danlos syndrome, ecchymotic type; Ehlers Danlos syndrome, arterial type; Ehlers Danlos syndrome, Sack-Barabas type. Identifiers: Orphanet 286, MedGen C0268338, MONDO:0017314, OMIM 130050.

Allele frequency attached by ClinVar (database versions not stated): ExAC 0.00016; 1000 Genomes Project 0.00020; gnomAD below 0.00001 and 0.00003; TOPMed below 0.00001; gnomAD exomes 0.00013; 1000 Genomes Project 30x 0.00016.
gnomAD v4.1: 109 of 1,614,150 alleles (0.0068%); highest among the groups gnomAD compares: South Asian, 0.12%; 2 homozygotes.

Submissions (7):

Labcorp Genetics (formerly Invitae), Labcorp
Classification: Benign for Ehlers-Danlos syndrome, type 4. Last evaluated: 2025-10-11. Review status: criteria provided, single submitter. Criteria: Invitae Variant Classification Sherloc (09022015). Collection method: clinical testing. Allele origin: germline.

All of Us Research Program, National Institutes of Health
Classification: Likely benign for Ehlers-Danlos syndrome, type 4. Last evaluated: 2024-05-14. Review status: criteria provided, single submitter. Criteria: ACMG Guidelines, 2015. Collection method: clinical testing. Allele origin: germline. Inheritance: Autosomal dominant inheritance. Observed: 2 variant alleles, 2 heterozygotes.
Comment: This study involves interpretation of variants in research participants for the purpose of population health screening. Participant phenotype was not available at the time of variant classification. Additional details can be found in publication PMID: 35346344, PMCID: PMC8962531

Blueprint Genetics
Classification: Likely benign. Last evaluated: 2024-04-10. Review status: criteria provided, single submitter. Criteria: ACMG Guidelines, 2015. Collection method: clinical testing. Allele origin: germline.

Ambry Genetics
Classification: Likely benign for Familial thoracic aortic aneurysm and aortic dissection. Last evaluated: 2023-04-28. Review status: criteria provided, single submitter. Criteria: Ambry Variant Classification Scheme 2023. Collection method: clinical testing. Allele origin: germline.

Genome Diagnostics Laboratory, The Hospital for Sick Children
Classification: Uncertain significance for Ehlers-Danlos syndrome. Last evaluated: 2021-12-22. Review status: criteria provided, single submitter. Criteria: ACMG Guidelines, 2015. Collection method: clinical testing. Allele origin: germline.

Color Diagnostics, LLC DBA Color Health
Classification: Likely benign for Familial thoracic aortic aneurysm and aortic dissection. Last evaluated: 2019-02-16. Review status: criteria provided, single submitter. Criteria: ACMG Guidelines, 2015. Collection method: clinical testing. Allele origin: germline.

Illumina Laboratory Services, Illumina
Classification: Benign for Ehlers-Danlos syndrome, type 4. Last evaluated: 2018-01-13. Review status: criteria provided, single submitter. Criteria: ICSL Variant Classification Criteria 13 December 2019. Collection method: clinical testing. Allele origin: germline.
Comment: This variant was observed in the ICSL laboratory as part of a predisposition screen in an ostensibly healthy population. It had not been previously curated by ICSL or reported in the Human Gene Mutation Database (HGMD: prior to June 1st, 2018), and was therefore a candidate for classification through an automated scoring system. Utilizing variant allele frequency, disease prevalence and penetrance estimates, and inheritance mode, an automated score was calculated to assess if this variant is too frequent to cause the disease. Based on the score and internal cut-off values, a variant classified as benign is not then subjected to further curation. The score for this variant resulted in a classification of benign for this disease.

NM_000090.4(COL3A1):c.3966G>A (p.Glu1322=)

Gene: COL3A1 (collagen type III alpha 1 chain; plus strand). Cytogenetic location: 2q32.2.
Variant type: single nucleotide variant.
Coding change: c.3966G>A on transcript NM_000090.4 (MANE Select); coding-DNA position 3966, G replaced by A.
Protein change: p.Glu1322=; no amino-acid change (glutamic acid 1322 retained).
Molecular consequence: synonymous variant.
Genome position (GRCh38, 1-based): chr2:189,010,320, G>A. VCF-style: chr2-189010320-G-A. GRCh37 (hg19) VCF-style: chr2-189875046-G-A.
Identifiers: ClinVar variation 333068 (VCV000333068.23), dbSNP rs560861999, ClinGen allele CA076366.